The following is an entry in ClinVar:

ClinVar aggregate classification (germline): Benign. Review status: criteria provided, multiple submitters, no conflicts (2 of 4 stars). 4 submissions from 4 submitters: Benign (2). 2 of the submissions do not count toward it. Last evaluated 2026-06-01.

Conditions:
FBXW7-related disorder. Also called: FBXW7-related condition; FBXW7-related disorders.

Submissions (4):

CeGaT Center for Human Genetics Tuebingen
Classification: Benign. Last evaluated: 2026-06-01. Review status: criteria provided, single submitter. Criteria: CeGaT Center For Human Genetics Tuebingen Variant Classification Criteria Version 2. Collection method: clinical testing. Allele origin: germline. Affected: yes. Observed: 6 variant alleles.
Comment: FBXW7: PM4:Supporting, BS1, BS2

Labcorp Genetics (formerly Invitae), Labcorp
Classification: Benign. Last evaluated: 2026-01-26. Review status: criteria provided, single submitter. Criteria: Invitae Variant Classification Sherloc (09022015). Collection method: clinical testing. Allele origin: germline.

PreventionGenetics, part of Exact Sciences
Classification: Likely benign for FBXW7-related condition. Last evaluated: 2020-07-27. Review status: no assertion criteria provided. Collection method: clinical testing. Allele origin: germline. Not counted in ClinVar's aggregate classification.
Comment: This variant is classified as likely benign based on ACMG/AMP sequence variant interpretation guidelines (Richards et al. 2015 PMID: 25741868, with internal and published modifications).

ITMI
No classification provided. Condition: AllHighlyPenetrant. Last evaluated: 2013-09-19. Review status: no classification provided. Collection method: reference population. Allele origin: germline. Not counted in ClinVar's aggregate classification.
Comment: Please see associated publication for description of ethnicities

Literature cited by the submitters: PubMed 24728327 (cited by ITMI).

NM_001349798.2(FBXW7):c.45_46insCCT (p.Thr15_Gly16insPro)

Gene: FBXW7 (F-box and WD repeat domain containing 7; minus strand). Cytogenetic location: 4q31.3.
Variant type: Insertion.
Coding change: c.45_46insCCT on transcript NM_001349798.2 (MANE Select); coding-DNA positions 45 to 46, CCT inserted.
Protein change: p.Thr15_Gly16insPro.
Molecular consequence: inframe insertion.
Genome position: GRCh38 VCF-style: chr4-152411758-C-CAGG. GRCh37 (hg19) VCF-style: chr4-153332910-C-CAGG.
Other names: c.45_46insCCT, p.Thr15_Gly16insPro (NM_001257069.1, NM_033632.3).
Identifiers: ClinVar variation 134381 (VCV000134381.19), dbSNP rs541979458, ClinGen allele CA159652.